The following is an entry in ClinVar:

ClinVar aggregate classification (germline): Uncertain significance (1 of 4 stars; one submission).

Allele frequency attached by ClinVar (database versions not stated): gnomAD exomes below 0.00001; TOPMed below 0.00001.
gnomAD v4.1: 3 of 1,613,396 alleles (0.00019%); highest among the groups gnomAD compares: South Asian, 0.0022%; no homozygotes.

Submission:

Labcorp Genetics (formerly Invitae), Labcorp
Classification: Uncertain significance. Last evaluated: 2023-10-19. Review status: criteria provided, single submitter. Criteria: Invitae Variant Classification Sherloc (09022015). Collection method: clinical testing. Allele origin: germline.
Comment: This sequence change replaces phenylalanine, which is neutral and non-polar, with leucine, which is neutral and non-polar, at codon 1650 of the FRAS1 protein (p.Phe1650Leu). This variant is not present in population databases (gnomAD no frequency). This variant has not been reported in the literature in individuals affected with FRAS1-related conditions. Advanced modeling of protein sequence and biophysical properties (such as structural, functional, and spatial information, amino acid conservation, physicochemical variation, residue mobility, and thermodynamic stability) performed at Invitae indicates that this missense variant is not expected to disrupt FRAS1 protein function. In summary, the available evidence is currently insufficient to determine the role of this variant in disease. Therefore, it has been classified as a Variant of Uncertain Significance.

NM_025074.7(FRAS1):c.4948T>C (p.Phe1650Leu)

Gene: FRAS1 (Fraser extracellular matrix complex subunit 1; plus strand). Cytogenetic location: 4q21.21.
Variant type: single nucleotide variant.
Coding change: c.4948T>C on transcript NM_025074.7 (MANE Select); coding-DNA position 4948, T replaced by C.
Protein change: p.Phe1650Leu; replaces phenylalanine 1650 with leucine.
Molecular consequence: missense variant.
Genome position (GRCh38, 1-based): chr4:78,430,396, T>C. VCF-style: chr4-78430396-T-C. GRCh37 (hg19) VCF-style: chr4-79351550-T-C.
Other names: c.4948T>C, p.Phe1650Leu (NM_001166133.2); short protein forms F1650L.
Identifiers: ClinVar variation 2853462 (VCV002853462.3), dbSNP rs1734167953, ClinGen allele CA357385174.